The following is an entry in ClinVar:

NM_002860.4(ALDH18A1):c.241G>A (p.Val81Met)

Gene: ALDH18A1 (aldehyde dehydrogenase 18 family member A1; minus strand). Cytogenetic location: 10q24.1.
Variant type: single nucleotide variant.
Coding change: c.241G>A on transcript NM_002860.4 (MANE Select); coding-DNA position 241, G replaced by A.
Protein change: p.Val81Met; replaces valine 81 with methionine.
Molecular consequence: missense variant. On other transcripts: intron variant (4).
Genome position (GRCh38, 1-based): chr10:95,643,054, C>T on the plus strand (G>A on the coding strand, the complement: ALDH18A1 is on the minus strand). VCF-style: chr10-95643054-C-T. GRCh37 (hg19) VCF-style: chr10-97402811-C-T.
Other names: c.241G>A, p.Val81Met (NM_001017423.2, NM_001323413.2, NM_001323414.2 and 2 more transcripts); c.-78-9405G>A (NM_001323419.2); c.-30-5618G>A (NM_001323412.2, NM_001323418.2, NM_001323416.2); short protein forms V81M.
Identifiers: ClinVar variation 1326003 (VCV001326003.4), dbSNP rs745914021, ClinGen allele CA377707744.
Genomic context (GRCh38, chr10:95,643,054, plus strand): 5'-GCTCAACAATAGATGCCAAGCGCCCCAGGGCCAGGCCACATTCATCCCCTCGGGTCACCA[C>T]GGCACTGCCGAGCTTCACCACGATTCTCTTGGCATGCTTCAGCTCACTGCGGTGGGCGAA-3'
Protein context (NP_002851.2, residues 71-91): KRIVVKLGSA[Val81Met]VTRGDECGLA

ClinVar aggregate classification (germline): Uncertain significance. Review status: criteria provided, multiple submitters, no conflicts (2 of 4 stars). 2 submissions from 2 submitters: Uncertain significance (2). Last evaluated 2025-12-24.

Conditions:
Inborn genetic diseases. Identifiers: MedGen C0950123, MeSH D030342.

Allele frequency attached by ClinVar (database versions not stated): gnomAD exomes below 0.00001; TOPMed below 0.00001; gnomAD 0.00001.
gnomAD v4.1: 3 of 1,613,970 alleles (0.00019%); highest among the groups gnomAD compares: African/African-American, 0.0013%; no homozygotes.

Submissions (2):

Ambry Genetics
Classification: Uncertain significance for Inborn genetic diseases. Last evaluated: 2025-12-24. Review status: criteria provided, single submitter. Criteria: Ambry Variant Classification Scheme 2023. Collection method: clinical testing. Allele origin: germline.

GeneDx
Classification: Uncertain significance. Last evaluated: 2025-12-16. Review status: criteria provided, single submitter. Criteria: GeneDx Variant Classification Process June 2021. Collection method: clinical testing. Allele origin: germline. Affected: yes.
Comment: Has not been previously published as pathogenic or benign to our knowledge; Not observed at significant frequency in large population cohorts (gnomAD); In silico analysis supports that this missense variant has a deleterious effect on protein structure/function